The following is an entry in ClinVar:

ClinVar aggregate classification (germline): Benign/Likely benign. Review status: criteria provided, multiple submitters, no conflicts (2 of 4 stars). 6 submissions from 6 submitters: Benign (2); Likely benign (2). 2 of the submissions do not count toward it. Last evaluated 2026-02-03.

Conditions:
Arrhythmogenic right ventricular dysplasia 10. Also called: Arrhythmogenic right ventricular dysplasia/cardiomyopathy, type 10; ARRHYTHMOGENIC RIGHT VENTRICULAR DYSPLASIA, FAMILIAL, 10; Arrhythmogenic Right Ventricular Dysplasia/Cardiomyopathy10. Identifiers: MedGen C1857777, MONDO:0012434, OMIM 610193.

Allele frequency attached by ClinVar (database versions not stated): gnomAD exomes 0.00086 and 0.00080; 1000 Genomes Project 0.00020; 1000 Genomes Project 30x 0.00031; ESP Exome Variant Server 0.00050; TOPMed 0.00063; gnomAD 0.00070 and 0.00073; ExAC 0.00076.
gnomAD v4.1: 1,397 of 1,614,122 alleles (0.087%); highest among the groups gnomAD compares: Admixed American, 0.13%; 1 homozygote.

Submissions (6):

Labcorp Genetics (formerly Invitae), Labcorp
Classification: Likely benign for Arrhythmogenic right ventricular dysplasia 10. Last evaluated: 2026-02-03. Review status: criteria provided, single submitter. Criteria: Invitae Variant Classification Sherloc (09022015). Collection method: clinical testing. Allele origin: germline.

Blueprint Genetics
Classification: Likely benign. Last evaluated: 2024-11-21. Review status: criteria provided, single submitter. Criteria: ACMG Guidelines, 2015. Collection method: clinical testing. Allele origin: germline.

Women's Health and Genetics/Laboratory Corporation of America, LabCorp
Classification: Benign. Last evaluated: 2022-02-05. Review status: criteria provided, single submitter. Criteria: LabCorp Variant Classification Summary - May 2015. Collection method: clinical testing. Allele origin: germline.

GeneDx
Classification: Benign. Last evaluated: 2014-04-27. Review status: criteria provided, single submitter. Criteria: GeneDx Variant Classification (06012015). Collection method: clinical testing. Allele origin: germline. Affected: yes.
Comment: This variant is considered likely benign or benign based on one or more of the following criteria: it is a conservative change, it occurs at a poorly conserved position in the protein, it is predicted to be benign by multiple in silico algorithms, and/or has population frequency not consistent with disease.

Clinical Genetics, Academic Medical Center
Classification: Benign. Review status: no assertion criteria provided. Collection method: clinical testing. Allele origin: germline. Affected: yes. Study: VKGL Data-share Consensus. Not counted in ClinVar's aggregate classification.

Genome Diagnostics Laboratory, University Medical Center Utrecht
Classification: Likely benign. Review status: no assertion criteria provided. Collection method: clinical testing. Allele origin: germline. Affected: yes. Study: VKGL Data-share Consensus. Not counted in ClinVar's aggregate classification.

NM_001943.5(DSG2):c.216+16G>A

Gene: DSG2 (desmoglein 2; plus strand). Cytogenetic location: 18q12.1.
Variant type: single nucleotide variant.
Coding change: c.216+16G>A on transcript NM_001943.5 (MANE Select); 16 bases into the intron after coding-DNA position 216, G replaced by A.
Molecular consequence: intron variant.
Genome position (GRCh38, 1-based): chr18:31,519,953, G>A. VCF-style: chr18-31519953-G-A. GRCh37 (hg19) VCF-style: chr18-29099916-G-A.
Other names: c.216+16G>A (LRG_397t1).
Identifiers: ClinVar variation 137161 (VCV000137161.13), dbSNP rs200239610, ClinGen allele CA021688.
Genomic context (GRCh38, chr18:31,519,953, plus strand): 5'-CTTCGGGAGGGAGAGGATCTGTCCAAGAAGAATCCAATTGCCAAGGTACCTCCTAAAGAG[G>A]AACATGAAATACATGCATATGACTAAAATGTGGTGTGAGAGGACTTTTATGTCTACTTTA-3'